The following is an entry in ClinVar:

NM_152383.5(DIS3L2):c.875G>T (p.Arg292Leu)

Gene: DIS3L2 (DIS3 like 3'-5' exoribonuclease 2; plus strand). Cytogenetic location: 2q37.1.
Variant type: single nucleotide variant.
Coding change: c.875G>T on transcript NM_152383.5 (MANE Select); coding-DNA position 875, G replaced by T.
Protein change: p.Arg292Leu; replaces arginine 292 with leucine.
Molecular consequence: missense variant. On other transcripts: non-coding transcript variant (1).
Genome position (GRCh38, 1-based): chr2:232,136,644, G>T. VCF-style: chr2-232136644-G-T. GRCh37 (hg19) VCF-style: chr2-233001354-G-T.
Other names: c.875G>T, p.Arg292Leu (NM_001257281.2); short protein forms R292L.
Identifiers: ClinVar variation 946309 (VCV000946309.9), dbSNP rs768117442, ClinGen allele CA351153781.

ClinVar aggregate classification (germline): Uncertain significance (1 of 4 stars; one submission).

Conditions:
Perlman syndrome (PRLMNS). Identifiers: Orphanet 2849, MedGen C0796113, MONDO:0009965, OMIM 267000.

Submission:

Labcorp Genetics (formerly Invitae), Labcorp
Classification: Uncertain significance for Perlman syndrome. Last evaluated: 2019-05-02. Review status: criteria provided, single submitter. Criteria: Invitae Variant Classification Sherloc (09022015). Collection method: clinical testing. Allele origin: germline.
Comment: In summary, the available evidence is currently insufficient to determine the role of this variant in disease. Therefore, it has been classified as a Variant of Uncertain Significance. Algorithms developed to predict the effect of missense changes on protein structure and function are either unavailable or do not agree on the potential impact of this missense change (SIFT: "Deleterious"; PolyPhen-2: "Possibly Damaging"; Align-GVGD: "Class C0"). This variant has not been reported in the literature in individuals with DIS3L2-related conditions. This variant is not present in population databases (ExAC no frequency). This sequence change replaces arginine with leucine at codon 292 of the DIS3L2 protein (p.Arg292Leu). The arginine residue is moderately conserved and there is a moderate physicochemical difference between arginine and leucine.